The following is an entry in ClinVar:

NM_003640.5(ELP1):c.1197_1210del (p.Leu400fs)

Gene: ELP1 (elongator acetyltransferase complex subunit 1; minus strand). Cytogenetic location: 9q31.3.
Variant type: Deletion.
Coding change: c.1197_1210del on transcript NM_003640.5 (MANE Select); coding-DNA positions 1197 to 1210, 14 bases deleted (GTTGGTGACAGTCT).
Protein change: p.Leu400fs; shifts the reading frame from leucine 400.
Molecular consequence: frameshift variant.
Genome position (GRCh38, 1-based): chr9:108,911,160-108,911,173, AGACTGTCACCAAC deleted on the plus strand (GTTGGTGACAGTCT on the coding strand, the reverse complement: ELP1 is on the minus strand); deleting any 14 consecutive bases within chr9:108,911,160-108,911,174 gives the same sequence; the c. name uses the placement nearest the transcript's 3' end. VCF-style (leftmost placement, unchanged base first): chr9-108911159-AAGACTGTCACCAAC-A. GRCh37 (hg19) VCF-style: chr9-111673439-AAGACTGTCACCAAC-A.
Other names: c.855_868del, p.Leu286fs (NM_001318360.2); c.150_163del, p.Leu51fs (NM_001330749.2); short protein forms L286fs, L400fs, L51fs.
Identifiers: ClinVar variation 4815169 (VCV004815169.1).

ClinVar aggregate classification (germline): Likely pathogenic (1 of 4 stars; one submission).

Conditions:
Familial dysautonomia. Also called: HSAN III; FD. Identifiers: Orphanet 1764, MedGen C0013364, MONDO:0009131, OMIM 223900. Disease mechanism: loss of function.

Submission:

Natera, Inc.
Classification: Likely pathogenic for Familial dysautonomia. Last evaluated: 2025-06-25. Review status: criteria provided, single submitter. Criteria: Natera Variant Classification Schema (03/2026). Collection method: clinical testing. Allele origin: germline.
Comment: The c.1197_1210del variant in ELP1 is a frameshift variant predicted to shift the reading frame beginning at codon 400 and leads to a stop codon 33 codons downstream. This variant is expected to result in nonsense mediated decay, truncation, or a dysfunctional protein product. This variant is rare in the general population with a frequency below the threshold expected for the associated phenotype(s). Given the available evidence, this variant is classified as Likely Pathogenic.